The following is an entry in ClinVar:

ClinVar aggregate classification (germline): Uncertain significance. Review status: criteria provided, multiple submitters, no conflicts (2 of 4 stars). 2 submissions from 2 submitters: Uncertain significance (2). Last evaluated 2025-12-31.

Allele frequency attached by ClinVar (database versions not stated): gnomAD exomes below 0.00001.
gnomAD v4.1: 4 of 1,613,652 alleles (0.00025%); highest among the groups gnomAD compares: Non-Finnish European, 0.00034%; no homozygotes.

Submissions (2):

Labcorp Genetics (formerly Invitae), Labcorp
Classification: Uncertain significance. Last evaluated: 2025-12-31. Review status: criteria provided, single submitter. Criteria: Invitae Variant Classification Sherloc (09022015). Collection method: clinical testing. Allele origin: germline.
Comment: This sequence change replaces glutamic acid, which is acidic and polar, with lysine, which is basic and polar, at codon 161 of the COL4A1 protein (p.Glu161Lys). This variant is not present in population databases (gnomAD no frequency). This variant has not been reported in the literature in individuals affected with COL4A1-related conditions. ClinVar contains an entry for this variant (Variation ID: 1379535). Invitae Evidence Modeling of protein sequence and biophysical properties (such as structural, functional, and spatial information, amino acid conservation, physicochemical variation, residue mobility, and thermodynamic stability) indicates that this missense variant is not expected to disrupt COL4A1 protein function with a negative predictive value of 95%. Algorithms developed to predict the effect of sequence changes on RNA splicing suggest that this variant may disrupt the consensus splice site. In summary, the available evidence is currently insufficient to determine the role of this variant in disease. Therefore, it has been classified as a Variant of Uncertain Significance.

Mayo Clinic Laboratories, Mayo Clinic
Classification: Uncertain significance. Last evaluated: 2021-06-28. Review status: criteria provided, single submitter. Criteria: ACMG Guidelines, 2015. Collection method: clinical testing. Allele origin: germline.

NM_001845.6(COL4A1):c.481G>A (p.Glu161Lys)

Gene: COL4A1 (collagen type IV alpha 1 chain; minus strand). Cytogenetic location: 13q34.
Variant type: single nucleotide variant.
Coding change: c.481G>A on transcript NM_001845.6 (MANE Select); coding-DNA position 481, G replaced by A.
Protein change: p.Glu161Lys; replaces glutamic acid 161 with lysine.
Molecular consequence: missense variant.
Genome position (GRCh38, 1-based): chr13:110,210,200, C>T on the plus strand (G>A on the coding strand, the complement: COL4A1 is on the minus strand). VCF-style: chr13-110210200-C-T. GRCh37 (hg19) VCF-style: chr13-110862547-C-T.
Other names: p.Glu161Lys; c.481G>A, p.Glu161Lys (NM_001303110.2); short protein forms E161K.
Identifiers: ClinVar variation 1379535 (VCV001379535.9), dbSNP rs1447711802, ClinGen allele CA388725710.